The following is an entry in ClinVar:

NM_000051.4(ATM):c.4585T>A (p.Tyr1529Asn)

Gene: ATM (ATM serine/threonine kinase; plus strand). Cytogenetic location: 11q22.3.
Variant type: single nucleotide variant.
Coding change: c.4585T>A on transcript NM_000051.4 (MANE Select); coding-DNA position 4585, T replaced by A.
Protein change: p.Tyr1529Asn; replaces tyrosine 1529 with asparagine.
Molecular consequence: missense variant.
Genome position (GRCh38, 1-based): chr11:108,292,767, T>A. VCF-style: chr11-108292767-T-A. GRCh37 (hg19) VCF-style: chr11-108163494-T-A.
Other names: c.4585T>A, p.Tyr1529Asn (NM_001351834.2); short protein forms Y1529N.
Identifiers: ClinVar variation 4747218 (VCV004747218.1).

ClinVar aggregate classification (germline): Uncertain significance (1 of 4 stars; one submission).

Conditions:
Ataxia-telangiectasia syndrome (AT). Also called: Ataxia-telangiectasia, complementation group D; AT, COMPLEMENTATION GROUP C; Ataxia-telangiectasia; Ataxia telangiectasia (A-T); LOUIS-BAR SYNDROME; Cerebello-oculocutaneous telangiectasia. Identifiers: Orphanet 100, MedGen C0004135, MONDO:0008840, OMIM 208900.

Submission:

Labcorp Genetics (formerly Invitae), Labcorp
Classification: Uncertain significance for Ataxia-telangiectasia syndrome. Last evaluated: 2025-08-06. Review status: criteria provided, single submitter. Criteria: Invitae Variant Classification Sherloc (09022015). Collection method: clinical testing. Allele origin: germline.
Comment: This sequence change replaces tyrosine, which is neutral and polar, with asparagine, which is neutral and polar, at codon 1529 of the ATM protein (p.Tyr1529Asn). This variant is not present in population databases (gnomAD no frequency). This variant has not been reported in the literature in individuals affected with ATM-related conditions. Invitae Evidence Modeling of protein sequence and biophysical properties (such as structural, functional, and spatial information, amino acid conservation, physicochemical variation, residue mobility, and thermodynamic stability) indicates that this missense variant is not expected to disrupt ATM protein function with a negative predictive value of 95%. In summary, the available evidence is currently insufficient to determine the role of this variant in disease. Therefore, it has been classified as a Variant of Uncertain Significance.